The following is an entry in ClinVar:

ClinVar aggregate classification (germline): Uncertain significance. Review status: criteria provided, multiple submitters, no conflicts (2 of 4 stars). 2 submissions from 2 submitters: Uncertain significance (2). Last evaluated 2025-02-18.

Conditions:
AMACR-related disorder. Also called: AMACR-Related Disorders; AMACR-related condition.
Alpha-methylacyl-CoA racemase deficiency (AMACRD). Also called: AMACR deficiency. Identifiers: Orphanet 79095, MedGen C3280428, MONDO:0013681, OMIM 614307. Disease mechanism: loss of function.

Allele frequency attached by ClinVar (database versions not stated): gnomAD exomes below 0.00001; TOPMed 0.00001.
gnomAD v4.1: 1 of 1,613,270 alleles (0.000062%); highest among the groups gnomAD compares: South Asian, 0.0011%; no homozygotes.

Submissions (2):

PreventionGenetics, part of Exact Sciences
Classification: Uncertain significance for AMACR-related condition. Last evaluated: 2025-02-18. Review status: criteria provided, single submitter. Criteria: ACMG Guidelines, 2015. Collection method: clinical testing. Allele origin: germline.
Comment: The AMACR c.698T>C variant is predicted to result in the amino acid substitution p.Val233Ala. To our knowledge, this variant has not been reported in the literature or in a large population database (gnomAD), indicating this variant is rare. At this time, the clinical significance of this variant is uncertain due to the absence of conclusive functional and genetic evidence.

Labcorp Genetics (formerly Invitae), Labcorp
Classification: Uncertain significance for Alpha-methylacyl-CoA racemase deficiency. Last evaluated: 2021-06-30. Review status: criteria provided, single submitter. Criteria: Invitae Variant Classification Sherloc (09022015). Collection method: clinical testing. Allele origin: germline.
Comment: Algorithms developed to predict the effect of missense changes on protein structure and function (SIFT, PolyPhen-2, Align-GVGD) all suggest that this variant is likely to be disruptive. This sequence change replaces valine with alanine at codon 233 of the AMACR protein (p.Val233Ala). The valine residue is highly conserved and there is a small physicochemical difference between valine and alanine. This variant is not present in population databases (ExAC no frequency). This variant has not been reported in the literature in individuals affected with AMACR-related conditions. In summary, the available evidence is currently insufficient to determine the role of this variant in disease. Therefore, it has been classified as a Variant of Uncertain Significance.

NM_014324.6(AMACR):c.698T>C (p.Val233Ala)

Genes: AMACR (alpha-methylacyl-CoA racemase; minus strand), C1QTNF3-AMACR (C1QTNF3-AMACR readthrough (NMD candidate); minus strand). Cytogenetic location: 5p13.2.
Variant type: single nucleotide variant.
Coding change: c.698T>C on transcript NM_014324.6 (MANE Select); coding-DNA position 698, T replaced by C.
Protein change: p.Val233Ala; replaces valine 233 with alanine.
Molecular consequence: missense variant. On other transcripts: non-coding transcript variant (1), synonymous variant (1).
Genome position (GRCh38, 1-based): chr5:33,998,682, A>G on the plus strand (T>C on the coding strand, the complement: AMACR is on the minus strand). VCF-style: chr5-33998682-A-G. GRCh37 (hg19) VCF-style: chr5-33998787-A-G.
Other names: c.698T>C (NM_014324.5); c.698T>C, p.Val233Ala (NM_001167595.2); c.537T>C, p.Cys179= (NM_203382.3); short protein forms V233A.
Identifiers: ClinVar variation 1404752 (VCV001404752.9), dbSNP rs76184600, ClinGen allele CA116866985.